The following is an entry in ClinVar:

ClinVar aggregate classification (germline): Likely pathogenic (0 of 4 stars; one submission).

Conditions:
Spinocerebellar ataxia type 35. Identifiers: Orphanet 276193, MedGen C3888031, MONDO:0013485, OMIM 613908.

gnomAD v4.1: 1 of 1,612,086 alleles (0.000062%); highest among the groups gnomAD compares: Non-Finnish European, 0.000085%; no homozygotes.

Submission:

Solve-RD Consortium
Classification: Likely pathogenic for Spinocerebellar ataxia type 35. Last evaluated: 2022-06-01. Review status: no assertion criteria provided. Collection method: provider interpretation. Allele origin: inherited. Affected: yes.
Comment: Variant confirmed as disease-causing by referring clinical team

Variant identified during reanalysis of unsolved cases by the Solve-RD project. The Solve-RD project has received funding from the European Union’s Horizon 2020 research and innovation programme under grant agreement No 779257.

Literature cited by the submitters: PubMed 39825153.

NM_198994.3(TGM6):c.110C>A (p.Ser37Ter)

Gene: TGM6 (transglutaminase 6; plus strand). Cytogenetic location: 20p13.
Variant type: single nucleotide variant.
Coding change: c.110C>A on transcript NM_198994.3 (MANE Select); coding-DNA position 110, C replaced by A.
Protein change: p.Ser37Ter; replaces serine 37 with a stop codon.
Molecular consequence: nonsense.
Genome position (GRCh38, 1-based): chr20:2,394,554, C>A. VCF-style: chr20-2394554-C-A. GRCh37 (hg19) VCF-style: chr20-2375200-C-A.
Other names: c.110C>A, p.Ser37Ter (NM_001254734.2); short protein forms S37*.
Identifiers: ClinVar variation 3256788 (VCV003256788.1).